The following is an entry in ClinVar:

NM_001084.5(PLOD3):c.*118G>A

Gene: PLOD3 (procollagen-lysine,2-oxoglutarate 5-dioxygenase 3; minus strand). Cytogenetic location: 7q22.1.
Variant type: single nucleotide variant.
Coding change: c.*118G>A on transcript NM_001084.5 (MANE Select); 118 bases downstream of the stop codon, G replaced by A.
Molecular consequence: 3 prime UTR variant.
Genome position (GRCh38, 1-based): chr7:101,206,163, C>T on the plus strand (G>A on the coding strand, the complement: PLOD3 is on the minus strand). VCF-style: chr7-101206163-C-T. GRCh37 (hg19) VCF-style: chr7-100849444-C-T.
Identifiers: ClinVar variation 2663318 (VCV002663318.1), dbSNP rs78594054, ClinGen allele CA163343512.
Genomic context (GRCh38, chr7:101,206,163, plus strand): 5'-CGGGAGCTTCCTGAGAGGGCCGTGTCTTGGGAGCAAGGTGACATATTCAGTTCAGGCACG[C>T]GGAACATGAACTCAGGAAGTGGGGAGACAGAGAGACCCATCCCCCAACTCCCAGGACGGG-3'

ClinVar aggregate classification (germline): Likely benign (1 of 4 stars; one submission).

Allele frequency attached by ClinVar (database versions not stated): 1000 Genomes Project 30x 0.02998; 1000 Genomes Project 0.03075.
gnomAD v4.1: 9,708 of 1,073,864 alleles (0.9%); highest among the groups gnomAD compares: East Asian, 6.6%; 172 homozygotes.

Submission:

GeneDx
Classification: Likely benign. Last evaluated: 2021-05-22. Review status: criteria provided, single submitter. Criteria: GeneDx Variant Classification Process June 2021. Collection method: clinical testing. Allele origin: germline. Affected: yes.
Comment: See Variant Classification Assertion Criteria.